The following is an entry in ClinVar:

ClinVar aggregate classification (germline): Uncertain significance (1 of 4 stars; one submission).

gnomAD v4.1: 3 of 1,602,606 alleles (0.00019%); highest among the groups gnomAD compares: South Asian, 0.0022%; no homozygotes.

Submission:

GeneDx
Classification: Uncertain significance. Last evaluated: 2021-06-16. Review status: criteria provided, single submitter. Criteria: GeneDx Variant Classification Process June 2021. Collection method: clinical testing. Allele origin: germline. Affected: yes.
Comment: Not observed at significant frequency in large population cohorts (Lek et al., 2016); In silico analysis supports that this missense variant has a deleterious effect on protein structure/function; Missense variants in this gene are often considered pathogenic (Stenson et al., 2014); Has not been previously published as pathogenic or benign to our knowledge; This variant is associated with the following publications: (PMID: 27535533, 29493581, 24077912)

NM_030662.4(MAP2K2):c.908G>T (p.Arg303Leu)

Gene: MAP2K2 (mitogen-activated protein kinase kinase 2; minus strand). Cytogenetic location: 19p13.3.
Variant type: single nucleotide variant.
Coding change: c.908G>T on transcript NM_030662.4 (MANE Select); coding-DNA position 908, G replaced by T.
Protein change: p.Arg303Leu; replaces arginine 303 with leucine.
Molecular consequence: missense variant.
Genome position (GRCh38, 1-based): chr19:4,099,212, C>A on the plus strand (G>T on the coding strand, the complement: MAP2K2 is on the minus strand). VCF-style: chr19-4099212-C-A. GRCh37 (hg19) VCF-style: chr19-4099210-C-A.
Other names: short protein forms R303L.
Identifiers: ClinVar variation 1328854 (VCV001328854.2), dbSNP rs1251433138, ClinGen allele CA403385145.